The following is an entry in ClinVar:

NM_001165963.4(SCN1A):c.2690T>C (p.Leu897Ser)

Gene: SCN1A (sodium voltage-gated channel alpha subunit 1; minus strand). Cytogenetic location: 2q24.3.
Variant type: single nucleotide variant.
Coding change: c.2690T>C on transcript NM_001165963.4 (MANE Select); coding-DNA position 2690, T replaced by C.
Protein change: p.Leu897Ser; replaces leucine 897 with serine.
Molecular consequence: missense variant. On other transcripts: non-coding transcript variant (1).
Genome position (GRCh38, 1-based): chr2:166,038,032, A>G on the plus strand (T>C on the coding strand, the complement: SCN1A is on the minus strand). VCF-style: chr2-166038032-A-G. GRCh37 (hg19) VCF-style: chr2-166894542-A-G.
Other names: c.2606T>C, p.Leu869Ser (NM_001165964.3, NM_001353957.2, NM_001353958.2); c.2690T>C, p.Leu897Ser (NM_001202435.3, NM_001353948.2); c.2657T>C, p.Leu886Ser (NM_001353949.2, NM_001353950.2, NM_001353951.2 and 2 more transcripts); c.2654T>C, p.Leu885Ser (NM_001353954.2, NM_001353955.2); c.2603T>C, p.Leu868Ser (NM_001353960.2); c.248T>C, p.Leu83Ser (NM_001353961.2); short protein forms L886S, L897S, L869S, L868S, L83S, L885S.
Identifiers: ClinVar variation 189924 (VCV000189924.6), dbSNP rs794726761, ClinGen allele CA303322.

ClinVar aggregate classification (germline): Pathogenic. Review status: criteria provided, multiple submitters, no conflicts (2 of 4 stars). 2 submissions from 2 submitters: Pathogenic (2). Last evaluated 2023-08-30.

Conditions:
Early-infantile DEE. Also called: Early infantile epileptic encephalopathy; Ohtahara syndrome; Early infantile epileptic encephalopathy with suppression bursts. Identifiers: Orphanet 1934, MedGen C0393706, MONDO:0800491.
Severe myoclonic epilepsy in infancy (DRVT). Also called: Epileptic encephalopathy, early infantile, 6 (Dravet syndrome); SEVERE MYOCLONIC EPILEPSY OF INFANCY; DEVELOPMENTAL AND EPILEPTIC ENCEPHALOPATHY 6A; Severe Myoclonic Epilepsy in Infancy (SMEI); Dravet syndrome. Identifiers: Orphanet 33069, MedGen C0751122, MONDO:0100135, OMIM 607208.

Submissions (2):

Labcorp Genetics (formerly Invitae), Labcorp
Classification: Pathogenic for Early-infantile DEE. Last evaluated: 2023-08-30. Review status: criteria provided, single submitter. Criteria: Invitae Variant Classification Sherloc (09022015). Collection method: clinical testing. Allele origin: germline.
Comment: This variant is not present in population databases (gnomAD no frequency). This sequence change replaces leucine, which is neutral and non-polar, with serine, which is neutral and polar, at codon 897 of the SCN1A protein (p.Leu897Ser). This missense change has been observed in individual(s) with Dravet syndrome (PMID: 26096185). In at least one individual the variant was observed to be de novo. For these reasons, this variant has been classified as Pathogenic. Advanced modeling of protein sequence and biophysical properties (such as structural, functional, and spatial information, amino acid conservation, physicochemical variation, residue mobility, and thermodynamic stability) performed at Invitae indicates that this missense variant is expected to disrupt SCN1A protein function. ClinVar contains an entry for this variant (Variation ID: 189924).

Center for Bioinformatics, Peking University
Classification: Pathogenic for Dravet syndrome. Last evaluated: 2014-12-20. Review status: criteria provided, single submitter. Criteria: Xu et al. (Hum Mutat. 2015). Collection method: research. Allele origin: de novo. Affected: yes. Observed: 1 variant allele. Study: University Clinical Cooperation “985 Project” PKU-2014-1-1.
Comment: Dravet syndrome (DS) probands were recruited from the outpatient and inpatient child neurology units of Peking University First Hospital from 2005 till present. The study was approved by the Ethics Committee of Peking University First Hospital and the Institutional Review Board at Peking University. Participants or their parents provided written informed consent before enrollment. We collected a total of 267 mutations from 255 families with probands diagnosed with DS in China. All probands fulfilled the clinical diagnostic criteria.

Literature cited by the submitters: PubMed 26096185 (cited by Labcorp Genetics (formerly Invitae), Labcorp).